The following is an entry in ClinVar:

NM_001113378.2(FANCI):c.1544A>G (p.Asp515Gly)

Gene: FANCI (FA complementation group I; plus strand). Cytogenetic location: 15q26.1.
Variant type: single nucleotide variant.
Coding change: c.1544A>G on transcript NM_001113378.2 (MANE Select); coding-DNA position 1544, A replaced by G.
Protein change: p.Asp515Gly; replaces aspartic acid 515 with glycine.
Molecular consequence: missense variant.
Genome position (GRCh38, 1-based): chr15:89,281,796, A>G. VCF-style: chr15-89281796-A-G. GRCh37 (hg19) VCF-style: chr15-89825027-A-G.
Other names: c.1265A>G, p.Asp422Gly (NM_001376910.1); c.1544A>G, p.Asp515Gly (NM_001376911.1, NM_018193.3); short protein forms D515G, D422G.
Identifiers: ClinVar variation 949161 (VCV000949161.9), dbSNP rs2053624733, ClinGen allele CA393744668.

ClinVar aggregate classification (germline): Uncertain significance (1 of 4 stars; one submission).

Conditions:
Fanconi anemia (FA). Also called: Fanconi's anemia. Identifiers: Orphanet 84, MedGen C0015625, MeSH D005199, MONDO:0019391.

Submission:

Labcorp Genetics (formerly Invitae), Labcorp
Classification: Uncertain significance for Fanconi anemia. Last evaluated: 2024-07-25. Review status: criteria provided, single submitter. Criteria: Invitae Variant Classification Sherloc (09022015). Collection method: clinical testing. Allele origin: germline.
Comment: This sequence change replaces aspartic acid, which is acidic and polar, with glycine, which is neutral and non-polar, at codon 515 of the FANCI protein (p.Asp515Gly). This variant is not present in population databases (gnomAD no frequency). This variant has not been reported in the literature in individuals affected with FANCI-related conditions. ClinVar contains an entry for this variant (Variation ID: 949161). Advanced modeling of protein sequence and biophysical properties (such as structural, functional, and spatial information, amino acid conservation, physicochemical variation, residue mobility, and thermodynamic stability) performed at Invitae indicates that this missense variant is expected to disrupt FANCI protein function with a positive predictive value of 80%. In summary, the available evidence is currently insufficient to determine the role of this variant in disease. Therefore, it has been classified as a Variant of Uncertain Significance.